The following is an entry in ClinVar:

ClinVar aggregate classification (germline): Conflicting classifications of pathogenicity. Review status: criteria provided, conflicting classifications (1 of 4 stars). 4 submissions from 4 submitters: Uncertain significance (3); Likely benign (1). Last evaluated 2025-10-13.

Conditions:
Connective tissue disorder. Also called: Connective tissue disease. Identifiers: MedGen C0009782, MONDO:0003900.

Allele frequency attached by ClinVar (database versions not stated): TOPMed below 0.00001; gnomAD 0.00001; ExAC 0.00002; gnomAD exomes 0.00002.
gnomAD v4.1: 9 of 1,613,274 alleles (0.00056%); highest among the groups gnomAD compares: Non-Finnish European, 0.00076%; no homozygotes.

Submissions (4):

Labcorp Genetics (formerly Invitae), Labcorp
Classification: Likely benign. Last evaluated: 2025-10-13. Review status: criteria provided, single submitter. Criteria: Invitae Variant Classification Sherloc (09022015). Collection method: clinical testing. Allele origin: germline.

Blueprint Genetics
Classification: Uncertain significance. Last evaluated: 2024-11-20. Review status: criteria provided, single submitter. Criteria: ACMG Guidelines, 2015. Collection method: clinical testing. Allele origin: germline.

Genome Diagnostics Laboratory, The Hospital for Sick Children
Classification: Uncertain significance for Connective tissue disorder. Last evaluated: 2022-01-25. Review status: criteria provided, single submitter. Criteria: ACMG Guidelines, 2015. Collection method: clinical testing. Allele origin: germline.

GeneDx
Classification: Uncertain significance. Last evaluated: 2019-11-20. Review status: criteria provided, single submitter. Criteria: GeneDx Variant Classification Process June 2021. Collection method: clinical testing. Allele origin: germline. Affected: yes.
Comment: In silico analysis, which includes protein predictors and evolutionary conservation, supports a deleterious effect; Has not been previously published as pathogenic or benign to our knowledge

NM_001854.4(COL11A1):c.862C>A (p.Pro288Thr)

Gene: COL11A1 (collagen type XI alpha 1 chain; minus strand). Cytogenetic location: 1p21.1.
Variant type: single nucleotide variant.
Coding change: c.862C>A on transcript NM_001854.4 (MANE Select); coding-DNA position 862, C replaced by A.
Protein change: p.Pro288Thr; replaces proline 288 with threonine.
Molecular consequence: missense variant. On other transcripts: non-coding transcript variant (1), intron variant (2).
Genome position (GRCh38, 1-based): chr1:103,026,251, G>T on the plus strand (C>A on the coding strand, the complement: COL11A1 is on the minus strand). VCF-style: chr1-103026251-G-T. GRCh37 (hg19) VCF-style: chr1-103491807-G-T.
Other names: c.862C>A, p.Pro288Thr (NM_080630.4); c.781-638C>A (NM_001190709.2); c.781-299C>A (NM_080629.3); short protein forms P288T.
Identifiers: ClinVar variation 1310365 (VCV001310365.11), dbSNP rs748315186, ClinGen allele CA975289.
Genomic context (GRCh38, chr1:103,026,251, plus strand): 5'-TACACAGGCACTGCTTTGTTTTTACCTCCGTCTGTGCTATTGTCTCCTCAGTTACAGTGG[G>T]TCCCTCTGTTACACTTTCAGCCTCTTTATACTCTGCTTCCCCATACTCATAGTCATATTC-3'
Protein context (NP_001845.3, residues 278-298): YKEAESVTEG[Pro288Thr]TVTEETIAQT